The following is an entry in ClinVar:

ClinVar aggregate classification (germline): Uncertain significance (1 of 4 stars; one submission).

Conditions:
Chédiak-Higashi syndrome (CHS). Also called: Chediak-Higashi Syndrome. Identifiers: Orphanet 167, MedGen C0007965, MONDO:0008963, OMIM 214500.

Submission:

Labcorp Genetics (formerly Invitae), Labcorp
Classification: Uncertain significance for Chédiak-Higashi syndrome. Last evaluated: 2024-09-29. Review status: criteria provided, single submitter. Criteria: Invitae Variant Classification Sherloc (09022015). Collection method: clinical testing. Allele origin: germline.
Comment: This sequence change replaces asparagine, which is neutral and polar, with serine, which is neutral and polar, at codon 713 of the LYST protein (p.Asn713Ser). This variant is not present in population databases (gnomAD no frequency). This variant has not been reported in the literature in individuals affected with LYST-related conditions. Invitae Evidence Modeling of protein sequence and biophysical properties (such as structural, functional, and spatial information, amino acid conservation, physicochemical variation, residue mobility, and thermodynamic stability) indicates that this missense variant is not expected to disrupt LYST protein function with a negative predictive value of 80%. In summary, the available evidence is currently insufficient to determine the role of this variant in disease. Therefore, it has been classified as a Variant of Uncertain Significance.

NM_000081.4(LYST):c.2138A>G (p.Asn713Ser)

Gene: LYST (lysosomal trafficking regulator; minus strand). Cytogenetic location: 1q42.3.
Variant type: single nucleotide variant.
Coding change: c.2138A>G on transcript NM_000081.4 (MANE Select); coding-DNA position 2138, A replaced by G.
Protein change: p.Asn713Ser; replaces asparagine 713 with serine.
Molecular consequence: missense variant.
Genome position (GRCh38, 1-based): chr1:235,808,680, T>C on the plus strand (A>G on the coding strand, the complement: LYST is on the minus strand). VCF-style: chr1-235808680-T-C. GRCh37 (hg19) VCF-style: chr1-235971980-T-C.
Other names: c.2138A>G, p.Asn713Ser (NM_001301365.1); short protein forms N713S.
Identifiers: ClinVar variation 3673397 (VCV003673397.2).